The following is an entry in ClinVar:

NM_001143981.2(CHRDL1):c.118C>T (p.Gln40Ter)

Gene: CHRDL1 (chordin like 1; minus strand). Cytogenetic location: Xq23.
Variant type: single nucleotide variant.
Coding change: c.118C>T on transcript NM_001143981.2 (MANE Select); coding-DNA position 118, C replaced by T.
Protein change: p.Gln40Ter; replaces glutamine 40 with a stop codon.
Molecular consequence: nonsense. On other transcripts: non-coding transcript variant (1).
Genome position (GRCh38, 1-based): chrX:110,762,784, G>A on the plus strand (C>T on the coding strand, the complement: CHRDL1 is on the minus strand). VCF-style: chrX-110762784-G-A. GRCh37 (hg19) VCF-style: chrX-110006012-G-A.
Other names: c.118C>T, p.Gln40Ter (NM_001143982.2, NM_001143983.3, NM_001367204.1 and 6 more transcripts); short protein forms Q40*.
Identifiers: ClinVar variation 5007492 (VCV005007492.2).
Genomic context (GRCh38, chrX:110,762,784, plus strand): 5'-CCAACCCATAAGGTTCCAGGTAAGGATGCCATCTCTCACCCACTCTGTACTTCTTGTCTT[G>A]AAACATGCAATATGTCTCTGAATCTGTGAAGAAGGAGATGGAGAATATGCCTGTTAGGAA-3'

ClinVar aggregate classification (germline): Likely pathogenic (1 of 4 stars; one submission).

Conditions:
Isolated congenital megalocornea (MGC1). Identifiers: Orphanet 91489, MedGen C4518341, MONDO:0010649, OMIM 309300.

Submission:

Juno Genomics, Hangzhou Juno Genomics, Inc
Classification: Likely pathogenic for Isolated congenital megalocornea. Review status: criteria provided, single submitter. Criteria: ACMG Guidelines, 2015. Collection method: clinical testing. Allele origin: germline.
Comment: Null variant in a gene where loss of function (LOF) is a known mechanism of disease.;Absent from controls (or at extremely low frequency if recessive) in Genome Aggregation Database.